The following is an entry in ClinVar:

NM_000316.3(PTH1R):c.1353+1G>T

Gene: PTH1R (parathyroid hormone 1 receptor; plus strand). Cytogenetic location: 3p21.31.
Variant type: single nucleotide variant.
Coding change: c.1353+1G>T on transcript NM_000316.3 (MANE Select); the canonical splice donor site of the intron after coding-DNA position 1353, G replaced by T.
Molecular consequence: splice donor variant.
Genome position (GRCh38, 1-based): chr3:46,902,668, G>T. VCF-style: chr3-46902668-G-T. GRCh37 (hg19) VCF-style: chr3-46944158-G-T.
Other names: c.1353+1G>T (NM_001184744.1).
Identifiers: ClinVar variation 4075759 (VCV004075759.1).

ClinVar aggregate classification (germline): Pathogenic (1 of 4 stars; one submission).

Conditions:
Primary failure of tooth eruption. Also called: DENTAL NONERUPTION; PRIMARY RETENTION OF TEETH; UNERUPTED SECOND PRIMARY MOLAR; POSTERIOR OPENBITE MALOCCLUSION, FAMILIAL. Identifiers: Orphanet 412206, MedGen C1852222, MONDO:0007434, OMIM 125350.

Submission:

Center of Excellence in Precision Medicine and Digital Health (CEPMDH), Faculty of Dentistry, Chulalongkorn University
Classification: Pathogenic for Primary failure of tooth eruption. Review status: criteria provided, single submitter. Criteria: ACMG Guidelines, 2015. Collection method: research. Allele origin: de novo. Inheritance: Autosomal dominant inheritance. Affected: yes. Observed: 1 variant allele, 1 heterozygote.
Comment: The c.1353+1G>T splice donor variant in PTH1R was identified in an individual with primary failure of tooth eruption (PFE). Risom L. et al. (2013) reported two splice-site variants in the PTH1R gene in families with PFE. In summary, the c.1353+1G>T variant is classified as pathogenic according to ACMG guidelines.

Literature cited by the submitters: PubMed 24058597.